The following is an entry in ClinVar:

ClinVar aggregate classification (germline): Uncertain significance (1 of 4 stars; one submission).

Conditions:
Tuberous sclerosis 2 (TSC2). Identifiers: Orphanet 805, MedGen C1860707, MONDO:0013199, OMIM 613254.

Allele frequency attached by ClinVar (database versions not stated): gnomAD 0.00001; TOPMed 0.00001.

Submission:

Labcorp Genetics (formerly Invitae), Labcorp
Classification: Uncertain significance for Tuberous sclerosis 2. Last evaluated: 2025-04-20. Review status: criteria provided, single submitter. Criteria: Invitae Variant Classification Sherloc (09022015). Collection method: clinical testing. Allele origin: germline.
Comment: This sequence change replaces serine, which is neutral and polar, with tyrosine, which is neutral and polar, at codon 211 of the TSC2 protein (p.Ser211Tyr). This variant is not present in population databases (gnomAD no frequency). This variant has not been reported in the literature in individuals affected with TSC2-related conditions. ClinVar contains an entry for this variant (Variation ID: 652977). Invitae Evidence Modeling of protein sequence and biophysical properties (such as structural, functional, and spatial information, amino acid conservation, physicochemical variation, residue mobility, and thermodynamic stability) indicates that this missense variant is not expected to disrupt TSC2 protein function with a negative predictive value of 95%. In summary, the available evidence is currently insufficient to determine the role of this variant in disease. Therefore, it has been classified as a Variant of Uncertain Significance.

NM_000548.5(TSC2):c.632C>A (p.Ser211Tyr)

Gene: TSC2 (TSC complex subunit 2; plus strand). Cytogenetic location: 16p13.3.
Variant type: single nucleotide variant.
Coding change: c.632C>A on transcript NM_000548.5 (MANE Select); coding-DNA position 632, C replaced by A.
Protein change: p.Ser211Tyr; replaces serine 211 with tyrosine.
Molecular consequence: missense variant.
Genome position (GRCh38, 1-based): chr16:2,056,228, C>A. VCF-style: chr16-2056228-C-A. GRCh37 (hg19) VCF-style: chr16-2106229-C-A.
Other names: c.632C>A, p.Ser211Tyr (NM_001077183.3, NM_001114382.3, NM_001363528.2 and 3 more transcripts); c.521C>A, p.Ser174Tyr (NM_001318827.2); c.485C>A, p.Ser162Tyr (NM_001318829.2); c.32C>A, p.Ser11Tyr (NM_001318831.2); c.665C>A, p.Ser222Tyr (NM_001318832.2); short protein forms S174Y, S162Y, S11Y, S211Y, S222Y.
Identifiers: ClinVar variation 652977 (VCV000652977.7), dbSNP rs878854120, ClinGen allele CA394310890.